The following is an entry in ClinVar:

NM_001080421.3(UNC13A):c.3552A>G (p.Leu1184=)

Gene: UNC13A (unc-13 homolog A; minus strand). Cytogenetic location: 19p13.11.
Variant type: single nucleotide variant.
Coding change: c.3552A>G on transcript NM_001080421.3 (MANE Select); coding-DNA position 3552, A replaced by G.
Protein change: p.Leu1184=; no amino-acid change (leucine 1184 retained).
Molecular consequence: synonymous variant.
Genome position (GRCh38, 1-based): chr19:17,630,262, T>C on the plus strand (A>G on the coding strand, the complement: UNC13A is on the minus strand). VCF-style: chr19-17630262-T-C. GRCh37 (hg19) VCF-style: chr19-17741071-T-C.
Other names: p.Leu1184=; c.3546A>G, p.Leu1182= (NM_001387021.1, NM_001387022.1, NM_001387023.1).
Identifiers: ClinVar variation 708730 (VCV000708730.11), dbSNP rs191186164, ClinGen allele CA9297955.

ClinVar aggregate classification (germline): Benign/Likely benign. Review status: criteria provided, multiple submitters, no conflicts (2 of 4 stars). 4 submissions from 4 submitters: Benign (3); Likely benign (1). Last evaluated 2026-01-01.

Allele frequency attached by ClinVar (database versions not stated): 1000 Genomes Project 0.00100; 1000 Genomes Project 30x 0.00109; gnomAD exomes 0.00192 and 0.00357; TOPMed 0.00218; ExAC 0.00222; gnomAD 0.00248 and 0.00253; ESP Exome Variant Server 0.00339.
gnomAD v4.1: 5,323 of 1,561,708 alleles (0.34%); highest among the groups gnomAD compares: Non-Finnish European, 0.43%; 13 homozygotes.

Submissions (4):

CeGaT Center for Human Genetics Tuebingen
Classification: Likely benign. Last evaluated: 2026-01-01. Review status: criteria provided, single submitter. Criteria: CeGaT Center For Human Genetics Tuebingen Variant Classification Criteria Version 2. Collection method: clinical testing. Allele origin: germline. Affected: yes. Observed: 2 variant alleles.
Comment: UNC13A: BP4, BP7, BS2

Mayo Clinic Laboratories, Mayo Clinic
Classification: Benign. Last evaluated: 2023-10-17. Review status: criteria provided, single submitter. Criteria: ACMG Guidelines, 2015. Collection method: clinical testing. Allele origin: germline. Observed: 3 variant alleles.
Comment: BS1, BS2, BP4, BP7

Labcorp Genetics (formerly Invitae), Labcorp
Classification: Benign. Last evaluated: 2019-12-31. Review status: criteria provided, single submitter. Criteria: Invitae Variant Classification Sherloc (09022015). Collection method: clinical testing. Allele origin: germline.

Breakthrough Genomics
Classification: Benign. Review status: criteria provided, single submitter. Criteria: ACMG Guidelines, 2015. Collection method: not provided. Allele origin: germline. Inheritance: Unknown mechanism. Affected: yes.

Literature cited by the submitters: PubMed 23881933 (cited by Mayo Clinic Laboratories, Mayo Clinic).